The following is an entry in ClinVar:

ClinVar aggregate classification (germline): Likely benign. Review status: criteria provided, single submitter (1 of 4 stars). 2 submissions from 2 submitters: Likely benign (1). 1 of the submissions does not count toward it. Last evaluated 2024-03-02.

Conditions:
ABCA12-related disorder. Also called: ABCA12-related condition.

Allele frequency attached by ClinVar (database versions not stated): ExAC 0.00005; gnomAD 0.00007; gnomAD exomes 0.00009; TOPMed 0.00014; ESP Exome Variant Server 0.00015; 1000 Genomes Project 30x 0.00016; 1000 Genomes Project 0.00020.
gnomAD v4.1: 150 of 1,614,058 alleles (0.0093%); highest among the groups gnomAD compares: Admixed American, 0.015%; no homozygotes.

Submissions (2):

Labcorp Genetics (formerly Invitae), Labcorp
Classification: Likely benign. Last evaluated: 2024-03-02. Review status: criteria provided, single submitter. Criteria: Invitae Variant Classification Sherloc (09022015). Collection method: clinical testing. Allele origin: germline.

PreventionGenetics, part of Exact Sciences
Classification: Likely benign for ABCA12-related condition. Last evaluated: 2020-01-06. Review status: no assertion criteria provided. Collection method: clinical testing. Allele origin: germline. Not counted in ClinVar's aggregate classification.
Comment: This variant is classified as likely benign based on ACMG/AMP sequence variant interpretation guidelines (Richards et al. 2015 PMID: 25741868, with internal and published modifications).

NM_173076.3(ABCA12):c.1422C>T (p.Leu474=)

Gene: ABCA12 (ATP binding cassette subfamily A member 12; minus strand). Cytogenetic location: 2q35.
Variant type: single nucleotide variant.
Coding change: c.1422C>T on transcript NM_173076.3 (MANE Select); coding-DNA position 1422, C replaced by T.
Protein change: p.Leu474=; no amino-acid change (leucine 474 retained).
Molecular consequence: synonymous variant. On other transcripts: non-coding transcript variant (1).
Genome position (GRCh38, 1-based): chr2:215,019,662, G>A on the plus strand (C>T on the coding strand, the complement: ABCA12 is on the minus strand). VCF-style: chr2-215019662-G-A. GRCh37 (hg19) VCF-style: chr2-215884386-G-A.
Other names: c.1422C>T (NM_173076.2); c.468C>T, p.Leu156= (NM_015657.4).
Identifiers: ClinVar variation 2884680 (VCV002884680.5), dbSNP rs142374853, ClinGen allele CA2092236.